The following is an entry in ClinVar:

NM_173354.5(SIK1):c.1553C>T (p.Ala518Val)

Gene: SIK1 (salt inducible kinase 1; minus strand). Cytogenetic location: 21q22.3.
Variant type: single nucleotide variant.
Coding change: c.1553C>T on transcript NM_173354.5 (MANE Select); coding-DNA position 1553, C replaced by T.
Protein change: p.Ala518Val; replaces alanine 518 with valine.
Molecular consequence: missense variant.
Genome position (GRCh38, 1-based): chr21:43,418,451, G>A on the plus strand (C>T on the coding strand, the complement: SIK1 is on the minus strand). VCF-style: chr21-43418451-G-A. GRCh37 (hg19) VCF-style: chr21-44838331-G-A.
Other names: short protein forms A518V.
Identifiers: ClinVar variation 542707 (VCV000542707.35), dbSNP rs142171557, ClinGen allele CA321325457.

ClinVar aggregate classification (germline): Benign/Likely benign. Review status: criteria provided, multiple submitters, no conflicts (2 of 4 stars). 5 submissions from 5 submitters: Benign (1); Likely benign (4). Last evaluated 2026-07-01.

Conditions:
Inborn genetic diseases. Identifiers: MedGen C0950123, MeSH D030342.
Developmental and epileptic encephalopathy, 30 (DEE30). Also called: Epileptic encephalopathy, early infantile, 30. Identifiers: MedGen C4225360, MONDO:0014595, OMIM 616341.

Allele frequency attached by ClinVar (database versions not stated): 1000 Genomes Project 0.00020; ExAC 0.00030; ESP Exome Variant Server 0.00031.

Submissions (5):

CeGaT Center for Human Genetics Tuebingen
Classification: Likely benign. Last evaluated: 2026-07-01. Review status: criteria provided, single submitter. Criteria: CeGaT Center For Human Genetics Tuebingen Variant Classification Criteria Version 2. Collection method: clinical testing. Allele origin: germline. Affected: yes. Observed: 4 variant alleles.
Comment: SIK1: BP4

Labcorp Genetics (formerly Invitae), Labcorp
Classification: Benign for Developmental and epileptic encephalopathy, 30. Last evaluated: 2026-02-02. Review status: criteria provided, single submitter. Criteria: Invitae Variant Classification Sherloc (09022015). Collection method: clinical testing. Allele origin: germline.

Blueprint Genetics
Classification: Likely benign. Last evaluated: 2024-11-25. Review status: criteria provided, single submitter. Criteria: ACMG Guidelines, 2015. Collection method: clinical testing. Allele origin: germline.

Ambry Genetics
Classification: Likely benign for Inborn genetic diseases. Last evaluated: 2021-10-22. Review status: criteria provided, single submitter. Criteria: Ambry Variant Classification Scheme 2023. Collection method: clinical testing. Allele origin: germline.

Breakthrough Genomics
Classification: Likely benign. Review status: criteria provided, single submitter. Criteria: ACMG Guidelines, 2015. Collection method: not provided. Allele origin: germline. Inheritance: Autosomal dominant inheritance. Affected: yes.